The following is an entry in ClinVar:

NM_001184.4(ATR):c.3902T>C (p.Ile1301Thr)

Gene: ATR (ATR checkpoint kinase; minus strand). Cytogenetic location: 3q23.
Variant type: single nucleotide variant.
Coding change: c.3902T>C on transcript NM_001184.4 (MANE Select); coding-DNA position 3902, T replaced by C.
Protein change: p.Ile1301Thr; replaces isoleucine 1301 with threonine.
Molecular consequence: missense variant.
Genome position (GRCh38, 1-based): chr3:142,535,123, A>G on the plus strand (T>C on the coding strand, the complement: ATR is on the minus strand). VCF-style: chr3-142535123-A-G. GRCh37 (hg19) VCF-style: chr3-142253965-A-G.
Other names: c.3710T>C, p.Ile1237Thr (NM_001354579.2); short protein forms I1237T, I1301T.
Identifiers: ClinVar variation 1736039 (VCV001736039.2), dbSNP rs1577652529, ClinGen allele CA354806039.

ClinVar aggregate classification (germline): Uncertain significance (1 of 4 stars; one submission).

Conditions:
Inborn genetic diseases. Identifiers: MedGen C0950123, MeSH D030342.

Submission:

Ambry Genetics
Classification: Uncertain significance for Inborn genetic diseases. Last evaluated: 2021-10-13. Review status: criteria provided, single submitter. Criteria: Ambry Variant Classification Scheme 2023. Collection method: clinical testing. Allele origin: germline.
Comment: The p.I1301T variant (also known as c.3902T>C), located in coding exon 21 of the ATR gene, results from a T to C substitution at nucleotide position 3902. The isoleucine at codon 1301 is replaced by threonine, an amino acid with similar properties. This amino acid position is conserved. In addition, this alteration is predicted to be tolerated by in silico analysis. Since supporting evidence is limited at this time, the clinical significance of this alteration remains unclear.